The following is an entry in ClinVar:

NM_001376.5(DYNC1H1):c.3199A>G (p.Asn1067Asp)

Gene: DYNC1H1 (dynein cytoplasmic 1 heavy chain 1; plus strand). Cytogenetic location: 14q32.31.
Variant type: single nucleotide variant.
Coding change: c.3199A>G on transcript NM_001376.5 (MANE Select); coding-DNA position 3199, A replaced by G.
Protein change: p.Asn1067Asp; replaces asparagine 1067 with aspartic acid.
Molecular consequence: missense variant.
Genome position (GRCh38, 1-based): chr14:101,994,715, A>G. VCF-style: chr14-101994715-A-G. GRCh37 (hg19) VCF-style: chr14-102461052-A-G.
Other names: short protein forms N1067D.
Identifiers: ClinVar variation 3252139 (VCV003252139.1), dbSNP rs1361633775.
Genomic context (GRCh38, chr14:101,994,715, plus strand): 5'-TGTGTTCTTCATTTGCAGGTTTGGCTTCAGTATCAGTGTTTATGGGATATGCAAGCTGAA[A>G]ACATCTATAACAGACTTGGAGAAGATCTCAACAAATGGCAGGCTCTCCTGGTCCAAATAA-3'
Protein context (NP_001367.2, residues 1057-1077): YQCLWDMQAE[Asn1067Asp]IYNRLGEDLN

ClinVar aggregate classification (germline): Uncertain significance (1 of 4 stars; one submission).

Allele frequency attached by ClinVar (database versions not stated): gnomAD 0.00001.
gnomAD v4.1: 1 of 1,614,110 alleles (0.000062%); highest among the groups gnomAD compares: Non-Finnish European, 0.000085%; no homozygotes.

Submission:

GeneDx
Classification: Uncertain significance. Last evaluated: 2024-06-06. Review status: criteria provided, single submitter. Criteria: GeneDx Variant Classification Process June 2021. Collection method: clinical testing. Allele origin: germline. Affected: yes.
Comment: In silico analysis indicates that this missense variant does not alter protein structure/function; Has not been previously published as pathogenic or benign to our knowledge; This variant is associated with the following publications: (PMID: 26100331, 25512093, 25609763)